The following is an entry in ClinVar:

ClinVar aggregate classification (germline): Pathogenic/Likely pathogenic. Review status: criteria provided, multiple submitters, no conflicts (2 of 4 stars). 2 submissions from 2 submitters: Pathogenic (1); Likely pathogenic (1). Last evaluated 2026-06-24.

Conditions:
LAMA2-related muscular dystrophy (LAMA2-RD). Also called: Laminin alpha 2-related dystrophy. Identifiers: MedGen C5679788, MONDO:0100228.
Merosin deficient congenital muscular dystrophy (MDC1A). Also called: Congenital Muscular Dystrophy Type 1A (MDC1A); Congenital merosin-deficient muscular dystrophy 1A. Identifiers: Orphanet 258, MedGen C1263858, MONDO:0011925, OMIM 607855.

Submissions (2):

Institute of Medical Genetics and Genomics, Sir Ganga Ram Hospital
Classification: Likely pathogenic for Merosin deficient congenital muscular dystrophy. Last evaluated: 2026-06-24. Review status: criteria provided, single submitter. Criteria: ACMG Guidelines, 2015. Collection method: clinical testing. Allele origin: germline. Inheritance: Autosomal recessive inheritance. Affected: yes. Observed: 1 variant allele, 1 homozygote.
Comment: A homozygous 1 base single nucleotide variant (SNV) has been identified in LAMA2 gene. This change is present in coding exon 16 of this gene resulting a nonsense event [PVS1]. This nonsense variants is not present in the gnomAD (aggregated) database [PM2]. This variant is submitted in clinvar database [Variation ID: VCV002018862.4] with a pathogenic interpretation by single submitter [PP5]. This variant has not been reported in the literature in individuals affected with LAMA2-related conditions. Based on the available evidences, and phenotypic overlap with the clinical symptoms of the proband, the variant has been classified as “Likely Pathogenic”.

Labcorp Genetics (formerly Invitae), Labcorp
Classification: Pathogenic for LAMA2-related muscular dystrophy. Last evaluated: 2022-07-22. Review status: criteria provided, single submitter. Criteria: Invitae Variant Classification Sherloc (09022015). Collection method: clinical testing. Allele origin: germline.
Comment: For these reasons, this variant has been classified as Pathogenic. This variant has not been reported in the literature in individuals affected with LAMA2-related conditions. This variant is not present in population databases (gnomAD no frequency). This sequence change creates a premature translational stop signal (p.Cys757*) in the LAMA2 gene. It is expected to result in an absent or disrupted protein product. Loss-of-function variants in LAMA2 are known to be pathogenic (PMID: 18700894, 32904964).

Literature cited by the submitters: PubMed 18700894 (cited by Labcorp Genetics (formerly Invitae), Labcorp); PubMed 32904964 (cited by Labcorp Genetics (formerly Invitae), Labcorp).

NM_000426.4(LAMA2):c.2271T>A (p.Cys757Ter)

Gene: LAMA2 (laminin subunit alpha 2; plus strand). Cytogenetic location: 6q22.33.
Variant type: single nucleotide variant.
Coding change: c.2271T>A on transcript NM_000426.4 (MANE Select); coding-DNA position 2271, T replaced by A.
Protein change: p.Cys757Ter; replaces cysteine 757 with a stop codon.
Molecular consequence: nonsense.
Genome position (GRCh38, 1-based): chr6:129,267,168, T>A. VCF-style: chr6-129267168-T-A. GRCh37 (hg19) VCF-style: chr6-129588313-T-A.
Other names: c.2271T>A, p.Cys757Ter (NM_001079823.2); short protein forms C757*.
Identifiers: ClinVar variation 2018862 (VCV002018862.5), dbSNP rs766257849, ClinGen allele CA365608850.
Genomic context (GRCh38, chr6:129,267,168, plus strand): 5'-TTGTTGGCCTAGGCACAGGCGAGTTAACGGCACTATTTTTGGTGGCATCTGTGAGCCATG[T>A]CAGTGCTTTGGTCATGCGGAGTCCTGTGATGACGTCACTGGAGAATGCCTGGTAAGTGCT-3'